The following is an entry in ClinVar:

NM_005629.4(SLC6A8):c.496A>G (p.Thr166Ala)

Gene: SLC6A8 (solute carrier family 6 member 8; plus strand). Cytogenetic location: Xq28.
Variant type: single nucleotide variant.
Coding change: c.496A>G on transcript NM_005629.4 (MANE Select); coding-DNA position 496, A replaced by G.
Protein change: p.Thr166Ala; replaces threonine 166 with alanine.
Molecular consequence: missense variant.
Genome position (GRCh38, 1-based): chrX:153,691,405, A>G. VCF-style: chrX-153691405-A-G. GRCh37 (hg19) VCF-style: chrX-152956860-A-G.
Other names: c.496A>G, p.Thr166Ala (NM_001142805.2); c.151A>G, p.Thr51Ala (NM_001142806.1); short protein forms T51A, T166A.
Identifiers: ClinVar variation 653138 (VCV000653138.8), dbSNP rs1603215030, ClinGen allele CA415078828.
Genomic context (GRCh38, chrX:153,691,405, plus strand): 5'-ACCTACTACATCATGGTGCTGGCCTGGGGCTTCTATTACCTGGTCAAGTCCTTTACCACC[A>G]CGCTGCCCTGGGCCACATGTGGCCACACCTGGAACACTCCCGACTGCGTGGAGATCTTCC-3'
Protein context (NP_005620.1, residues 156-176): FYYLVKSFTT[Thr166Ala]LPWATCGHTW

ClinVar aggregate classification (germline): Uncertain significance (1 of 4 stars; one submission).

Conditions:
Creatine transporter deficiency (CCDS1). Also called: Mental retardation , X-linked with seizures, short stature and midface hypoplasia; Mental retardation , X-linked, with creatine transport deficiency; X-linked creatine transporter deficiency; X-linked creatine deficiency syndrome; SLC6A8-Related Creatine Transporter Deficiency; CREATINE TRANSPORTER DEFECT. Identifiers: Orphanet 52503, MedGen C1845862, MONDO:0010305, OMIM 300352.

Submission:

Labcorp Genetics (formerly Invitae), Labcorp
Classification: Uncertain significance for Creatine transporter deficiency. Last evaluated: 2018-10-23. Review status: criteria provided, single submitter. Criteria: Invitae Variant Classification Sherloc (09022015). Collection method: clinical testing. Allele origin: germline.
Comment: In summary, the available evidence is currently insufficient to determine the role of this variant in disease. Therefore, it has been classified as a Variant of Uncertain Significance. Algorithms developed to predict the effect of missense changes on protein structure and function output the following: SIFT: "Tolerated"; PolyPhen-2: "Benign"; Align-GVGD: "Class C0". The alanine amino acid residue is found in multiple mammalian species, suggesting that this missense change does not adversely affect protein function. These predictions have not been confirmed by published functional studies and their clinical significance is uncertain. This variant has not been reported in the literature in individuals with SLC6A8-related disease. This variant is not present in population databases (ExAC no frequency). This sequence change replaces threonine with alanine at codon 166 of the SLC6A8 protein (p.Thr166Ala). The threonine residue is weakly conserved and there is a small physicochemical difference between threonine and alanine.